The following is an entry in ClinVar:

NM_019888.3(MC3R):c.639T>A (p.Phe213Leu)

Gene: MC3R (melanocortin 3 receptor; plus strand). Cytogenetic location: 20q13.2.
Variant type: single nucleotide variant.
Coding change: c.639T>A on transcript NM_019888.3 (MANE Select); coding-DNA position 639, T replaced by A.
Protein change: p.Phe213Leu; replaces phenylalanine 213 with leucine.
Molecular consequence: missense variant.
Genome position (GRCh38, 1-based): chr20:56,249,482, T>A. VCF-style: chr20-56249482-T-A. GRCh37 (hg19) VCF-style: chr20-54824538-T-A.
Other names: short protein forms F213L.
Identifiers: ClinVar variation 2882874 (VCV002882874.3), dbSNP rs1338499934, ClinGen allele CA409695424.
Genomic context (GRCh38, chr20:56,249,482, plus strand): 5'-CACCATGTTCTTCGCCATGATGCTCCTCATGGGCACCCTCTACGTGCACATGTTCCTCTT[T>A]GCGCGGCTGCACGTCAAGCGCATAGCAGCACTGCCACCTGCCGACGGGGTGGCCCCACAG-3'
Protein context (NP_063941.3, residues 203-223): MGTLYVHMFL[Phe213Leu]ARLHVKRIAA

ClinVar aggregate classification (germline): Uncertain significance (1 of 4 stars; one submission).

Submission:

Labcorp Genetics (formerly Invitae), Labcorp
Classification: Uncertain significance. Last evaluated: 2023-08-19. Review status: criteria provided, single submitter. Criteria: Invitae Variant Classification Sherloc (09022015). Collection method: clinical testing. Allele origin: germline.
Comment: In summary, the available evidence is currently insufficient to determine the role of this variant in disease. Therefore, it has been classified as a Variant of Uncertain Significance. An algorithm developed to predict the effect of missense changes on protein structure and function (PolyPhen-2) suggests that this variant is likely to be tolerated. This variant has not been reported in the literature in individuals affected with MC3R-related conditions. This variant is not present in population databases (gnomAD no frequency). This sequence change replaces phenylalanine, which is neutral and non-polar, with leucine, which is neutral and non-polar, at codon 213 of the MC3R protein (p.Phe213Leu).